The following is an entry in ClinVar:

ClinVar aggregate classification (germline): Pathogenic/Likely pathogenic. Review status: criteria provided, multiple submitters, no conflicts (2 of 4 stars). 5 submissions from 5 submitters: Pathogenic (3); Likely pathogenic (2). Last evaluated 2026-08-06.

Conditions:
Cranioectodermal dysplasia 4 (CED4). Identifiers: Orphanet 1515, MedGen C3280616, MONDO:0013719, OMIM 614378.
Asphyxiating thoracic dystrophy 5 (SRTD5). Also called: SHORT-RIB THORACIC DYSPLASIA 5 WITH OR WITHOUT POLYDACTYLY; SHORT-RIB THORACIC DYSPLASIA 5 WITHOUT POLYDACTYLY. Identifiers: Orphanet 474, MedGen C3280598, MONDO:0013717, OMIM 614376.
Spermatogenic failure 72 (SPGF72). Identifiers: MedGen C5676980, MONDO:0030809, OMIM 619867.
Senior-Loken syndrome 8 (SLSN8). Identifiers: Orphanet 3156, MedGen C4225376, MONDO:0014579, OMIM 616307.
Nephronophthisis 13 (NPHP13). Identifiers: Orphanet 655, MedGen C3280612, MONDO:0013718, OMIM 614377.
Renal dysplasia and retinal aplasia (SLSN). Also called: Senior-Loken syndrome. Identifiers: Orphanet 3156, MedGen C0403553, MONDO:0017842.

Allele frequency attached by ClinVar (database versions not stated): gnomAD exomes below 0.00001; TOPMed 0.00001.

Submissions (5):

OLLIN Analises Genomicas, OLLIN
Classification: Pathogenic for Cranioectodermal dysplasia 4. Last evaluated: 2026-08-06. Review status: criteria provided, single submitter. Criteria: ACMG Guidelines 2015 PMID 25741868. Collection method: clinical testing. Allele origin: germline. Inheritance: Autosomal recessive inheritance.
Comment: This variant, located at the canonical splicing site (splice acceptor), has been reported in ClinVar (accession VCV001473602.10) and in gnomAD with an allele frequency of 0.000064%. However, to our knowledge, it has not been reported in the scientific literature. This variant is predicted to disrupt a canonical splice site, potentially leading to exon skipping, mRNA degradation via nonsense-mediated decay (NMD), or production of a truncated protein. Another pathogenic variant has been reported to result in the same amino acid substitution. According to the currently available evidence, this variant has been classified as pathogenic (PVS1, PS1_P, PM2_P).

Labcorp Genetics (formerly Invitae), Labcorp
Classification: Pathogenic for Senior-Loken syndrome 8; Asphyxiating thoracic dystrophy 5. Last evaluated: 2025-02-17. Review status: criteria provided, single submitter. Criteria: Invitae Variant Classification Sherloc (09022015). Collection method: clinical testing. Allele origin: germline.
Comment: This sequence change affects an acceptor splice site in intron 28 of the WDR19 gene. It is expected to disrupt RNA splicing. Variants that disrupt the donor or acceptor splice site typically lead to a loss of protein function (PMID: 16199547), and loss-of-function variants in WDR19 are known to be pathogenic (PMID: 22019273, 23559409, 23683095, 26275793, 27241786, 29068549). This variant is not present in population databases (gnomAD no frequency). Disruption of this splice site has been observed in individuals with WDR19-related conditions (PMID: 34529350, 36909829). ClinVar contains an entry for this variant (Variation ID: 1473602). Algorithms developed to predict the effect of sequence changes on RNA splicing suggest that this variant may disrupt the consensus splice site. For these reasons, this variant has been classified as Pathogenic.

GeneDx
Classification: Likely pathogenic. Last evaluated: 2024-06-25. Review status: criteria provided, single submitter. Criteria: GeneDx Variant Classification Process June 2021. Collection method: clinical testing. Allele origin: germline. Affected: yes.
Comment: Canonical splice site variant predicted to result in an in-frame loss of the adjacent exon in a gene for which loss of function is a known mechanism of disease; Not observed at significant frequency in large population cohorts (gnomAD); This variant is associated with the following publications: (PMID: 36909829, 34529350)

Fulgent Genetics
Classification: Likely pathogenic for Asphyxiating thoracic dystrophy 5; Nephronophthisis 13; Cranioectodermal dysplasia 4; Senior-Loken syndrome 8; Spermatogenic failure 72. Last evaluated: 2024-01-17. Review status: criteria provided, single submitter. Criteria: ACMG Guidelines, 2015. Collection method: clinical testing. Allele origin: germline.

Ophthalmic Genetics Group, Institute of Molecular and Clinical Ophthalmology Basel
Classification: Pathogenic for Senior-Loken syndrome. Last evaluated: 2023-07-24. Review status: criteria provided, single submitter. Criteria: ACMG Guidelines, 2015. Collection method: research. Allele origin: germline. Affected: yes. Observed: 1 variant allele.
Comment: Clinical significance based on ACMG v2.0

This variant was classified as Pathogenic based on ACMG criteria: PVS1, PP5, PM2.

Literature cited by the submitters: PubMed 16199547 (cited by Labcorp Genetics (formerly Invitae), Labcorp); PubMed 22019273 (cited by Labcorp Genetics (formerly Invitae), Labcorp); PubMed 23559409 (cited by Labcorp Genetics (formerly Invitae), Labcorp); PubMed 23683095 (cited by Labcorp Genetics (formerly Invitae), Labcorp); PubMed 26275793 (cited by Labcorp Genetics (formerly Invitae), Labcorp); PubMed 27241786 (cited by Labcorp Genetics (formerly Invitae), Labcorp); PubMed 29068549 (cited by Labcorp Genetics (formerly Invitae), Labcorp); PubMed 34529350 (cited by Labcorp Genetics (formerly Invitae), Labcorp); PubMed 36909829 (cited by Labcorp Genetics (formerly Invitae), Labcorp and Ophthalmic Genetics Group, Institute of Molecular and Clinical Ophthalmology Basel).

NM_025132.4(WDR19):c.3184-2A>C

Gene: WDR19 (WD repeat domain 19; plus strand). Cytogenetic location: 4p14.
Variant type: single nucleotide variant.
Coding change: c.3184-2A>C on transcript NM_025132.4 (MANE Select); the canonical splice acceptor site of the intron before coding-DNA position 3184, A replaced by C.
Molecular consequence: splice acceptor variant.
Genome position (GRCh38, 1-based): chr4:39,266,061, A>C. VCF-style: chr4-39266061-A-C. GRCh37 (hg19) VCF-style: chr4-39267681-A-C.
Other names: NP_079408.3:p.?; c.2704-2A>C (NM_001317924.2).
Identifiers: ClinVar variation 1473602 (VCV001473602.11), dbSNP rs1020915921, ClinGen allele CA95698821.